The following is an entry in ClinVar:

NM_000212.3(ITGB3):c.879G>T (p.Gln293His)

Gene: ITGB3 (integrin subunit beta 3; plus strand). Cytogenetic location: 17q21.32.
Variant type: single nucleotide variant.
Coding change: c.879G>T on transcript NM_000212.3 (MANE Select); coding-DNA position 879, G replaced by T.
Protein change: p.Gln293His; replaces glutamine 293 with histidine.
Molecular consequence: missense variant.
Genome position (GRCh38, 1-based): chr17:47,287,171, G>T. VCF-style: chr17-47287171-G-T. GRCh37 (hg19) VCF-style: chr17-45364537-G-T.
Other names: short protein forms Q293H.
Identifiers: ClinVar variation 4749838 (VCV004749838.1).

ClinVar aggregate classification (germline): Uncertain significance (1 of 4 stars; one submission).

Submission:

Labcorp Genetics (formerly Invitae), Labcorp
Classification: Uncertain significance. Last evaluated: 2025-06-15. Review status: criteria provided, single submitter. Criteria: Invitae Variant Classification Sherloc (09022015). Collection method: clinical testing. Allele origin: germline.
Comment: This sequence change replaces glutamine, which is neutral and polar, with histidine, which is basic and polar, at codon 293 of the ITGB3 protein (p.Gln293His). This variant is not present in population databases (gnomAD no frequency). This variant has not been reported in the literature in individuals affected with ITGB3-related conditions. Invitae Evidence Modeling of protein sequence and biophysical properties (such as structural, functional, and spatial information, amino acid conservation, physicochemical variation, residue mobility, and thermodynamic stability) indicates that this missense variant is not expected to disrupt ITGB3 protein function with a negative predictive value of 80%. In summary, the available evidence is currently insufficient to determine the role of this variant in disease. Therefore, it has been classified as a Variant of Uncertain Significance.